The following is an entry in ClinVar:

NM_005271.5(GLUD1):c.342T>C (p.His114=)

Gene: GLUD1 (glutamate dehydrogenase 1; minus strand). Cytogenetic location: 10q23.2.
Variant type: single nucleotide variant.
Coding change: c.342T>C on transcript NM_005271.5 (MANE Select); coding-DNA position 342, T replaced by C.
Protein change: p.His114=; no amino-acid change (histidine 114 retained).
Molecular consequence: synonymous variant. On other transcripts: 5 prime UTR variant (3).
Genome position (GRCh38, 1-based): chr10:87,094,428, A>G on the plus strand (T>C on the coding strand, the complement: GLUD1 is on the minus strand). VCF-style: chr10-87094428-A-G. GRCh37 (hg19) VCF-style: chr10-88854185-A-G.
Other names: p.H114H:CAT>CAC; c.-387T>C (NM_001318904.2); c.-513T>C (NM_001318905.2); c.-220T>C (NM_001318906.2).
Identifiers: ClinVar variation 129161 (VCV000129161.21), dbSNP rs142544510, ClinGen allele CA288888.

ClinVar aggregate classification (germline): Benign. Review status: criteria provided, multiple submitters, no conflicts (2 of 4 stars). 7 submissions from 7 submitters: Benign (7). Last evaluated 2026-01-19.

Conditions:
Hyperinsulinism-hyperammonemia syndrome (HHF6). Identifiers: Orphanet 35878, MedGen C1847555, MONDO:0011717, OMIM 606762.

Allele frequency attached by ClinVar (database versions not stated): gnomAD exomes 0.00317; ExAC 0.00409; TOPMed 0.01289; gnomAD 0.01294 and 0.01392; ESP Exome Variant Server 0.01331; 1000 Genomes Project 0.01358; 1000 Genomes Project 30x 0.01405.
gnomAD v4.1: 3,840 of 1,613,654 alleles (0.24%); highest among the groups gnomAD compares: African/African-American, 4.6%; 92 homozygotes.

Submissions (7):

Labcorp Genetics (formerly Invitae), Labcorp
Classification: Benign for Hyperinsulinism-hyperammonemia syndrome. Last evaluated: 2026-01-19. Review status: criteria provided, single submitter. Criteria: Invitae Variant Classification Sherloc (09022015). Collection method: clinical testing. Allele origin: germline.

Women's Health and Genetics/Laboratory Corporation of America, LabCorp
Classification: Benign. Last evaluated: 2024-12-06. Review status: criteria provided, single submitter. Criteria: LabCorp Variant Classification Summary - May 2015. Collection method: clinical testing. Allele origin: germline.

Illumina Laboratory Services, Illumina
Classification: Benign for Hyperinsulinism-hyperammonemia syndrome. Last evaluated: 2018-01-12. Review status: criteria provided, single submitter. Criteria: ICSL Variant Classification Criteria 13 December 2019. Collection method: clinical testing. Allele origin: germline.
Comment: This variant was observed in the ICSL laboratory as part of a predisposition screen in an ostensibly healthy population. It had not been previously curated by ICSL or reported in the Human Gene Mutation Database (HGMD: prior to June 1st, 2018), and was therefore a candidate for classification through an automated scoring system. Utilizing variant allele frequency, disease prevalence and penetrance estimates, and inheritance mode, an automated score was calculated to assess if this variant is too frequent to cause the disease. Based on the score and internal cut-off values, a variant classified as benign is not then subjected to further curation. The score for this variant resulted in a classification of benign for this disease.

GeneDx
Classification: Benign. Last evaluated: 2014-05-16. Review status: criteria provided, single submitter. Criteria: GeneDx Variant Classification (06012015). Collection method: clinical testing. Allele origin: germline. Affected: yes.
Comment: This variant is considered likely benign or benign based on one or more of the following criteria: it is a conservative change, it occurs at a poorly conserved position in the protein, it is predicted to be benign by multiple in silico algorithms, and/or has population frequency not consistent with disease.

Genetic Services Laboratory, University of Chicago
Classification: Benign for AllHighlyPenetrant. Last evaluated: 2013-10-29. Review status: criteria provided, single submitter. Criteria: ACMG Guidelines, 2007. Collection method: clinical testing. Allele origin: germline. Inheritance: Autosomal dominant inheritance.

Breakthrough Genomics
Classification: Benign. Review status: criteria provided, single submitter. Criteria: ACMG Guidelines, 2015. Collection method: not provided. Allele origin: germline. Inheritance: Autosomal dominant inheritance. Affected: yes.

PreventionGenetics, part of Exact Sciences
Classification: Benign. Review status: criteria provided, single submitter. Criteria: ACMG Guidelines, 2015. Collection method: clinical testing. Allele origin: germline.